The following is an entry in ClinVar:

ClinVar aggregate classification (germline): Uncertain significance. Review status: criteria provided, multiple submitters, no conflicts (2 of 4 stars). 2 submissions from 2 submitters: Uncertain significance (2). Last evaluated 2025-03-18.

Conditions:
Myopathy, myosin storage, autosomal recessive (CMYO7B). Also called: CONGENITAL MYOPATHY 7B, MYOSIN STORAGE, AUTOSOMAL RECESSIVE. Identifiers: Orphanet 636970, MedGen C1850709, MONDO:0009708, OMIM 255160.
Hypertrophic cardiomyopathy. Also called: HYPERTROPHIC MYOCARDIOPATHY. Identifiers: Orphanet 217569, MedGen C0007194, MeSH D002312, MONDO:0005045, HP:0001639.

Allele frequency attached by ClinVar (database versions not stated): gnomAD exomes below 0.00001; ExAC 0.00001.
gnomAD v4.1: 1 of 1,612,762 alleles (0.000062%); highest among the groups gnomAD compares: Admixed American, 0.0017%; no homozygotes.

Submissions (2):

Labcorp Genetics (formerly Invitae), Labcorp
Classification: Uncertain significance for Hypertrophic cardiomyopathy. Last evaluated: 2025-03-18. Review status: criteria provided, single submitter. Criteria: Invitae Variant Classification Sherloc (09022015). Collection method: clinical testing. Allele origin: germline.
Comment: This sequence change replaces glutamic acid, which is acidic and polar, with glutamine, which is neutral and polar, at codon 1835 of the MYH7 protein (p.Glu1835Gln). This variant is present in population databases (rs758436258, gnomAD 0.003%). This variant has not been reported in the literature in individuals affected with MYH7-related conditions. ClinVar contains an entry for this variant (Variation ID: 1024639). Invitae Evidence Modeling of protein sequence and biophysical properties (such as structural, functional, and spatial information, amino acid conservation, physicochemical variation, residue mobility, and thermodynamic stability) indicates that this missense variant is expected to disrupt MYH7 protein function with a positive predictive value of 95%. In summary, the available evidence is currently insufficient to determine the role of this variant in disease. Therefore, it has been classified as a Variant of Uncertain Significance.

Baylor Genetics
Classification: Uncertain significance for Myopathy, myosin storage, autosomal recessive. Last evaluated: 2019-04-06. Review status: criteria provided, single submitter. Criteria: ACMG Guidelines, 2015. Collection method: clinical testing. Allele origin: unknown. Affected: yes.
Comment: This variant was determined to be of uncertain significance according to ACMG Guidelines, 2015 [PMID:25741868].

NM_000257.4(MYH7):c.5503G>C (p.Glu1835Gln)

Gene: MYH7 (myosin heavy chain 7; minus strand). Cytogenetic location: 14q11.2.
Variant type: single nucleotide variant.
Coding change: c.5503G>C on transcript NM_000257.4 (MANE Select); coding-DNA position 5503, G replaced by C.
Protein change: p.Glu1835Gln; replaces glutamic acid 1835 with glutamine.
Molecular consequence: missense variant.
Genome position (GRCh38, 1-based): chr14:23,415,051, C>G on the plus strand (G>C on the coding strand, the complement: MYH7 is on the minus strand). VCF-style: chr14-23415051-C-G. GRCh37 (hg19) VCF-style: chr14-23884260-C-G.
Other names: short protein forms E1835Q.
Identifiers: ClinVar variation 1024639 (VCV001024639.8), dbSNP rs758436258, ClinGen allele CA047034.